The following is an entry in ClinVar:

ClinVar aggregate classification (germline): Pathogenic (1 of 4 stars; one submission).

Conditions:
Autosomal recessive limb-girdle muscular dystrophy type 2O. Also called: MUSCULAR DYSTROPHY-DYSTROGLYCANOPATHY (LIMB-GIRDLE), TYPE C, 3; MUSCULAR DYSTROPHY-DYSTROGLYCANOPATHY, LIMB-GIRDLE, POMGNT1-RELATED; Limb-Girdle Muscular Dystrophy Type 3C. Identifiers: Orphanet 206564, MedGen C3150417, MONDO:0013161, OMIM 613157.
Muscular dystrophy-dystroglycanopathy (congenital with impaired intellectual development), type B, 3. Also called: Muscular dystrophy-dystroglycanopathy (congenital with intellectual disability), type B3; MUSCULAR DYSTROPHY, CONGENITAL, POMGNT1-RELATED. Identifiers: MedGen C3150412, MONDO:0013155, OMIM 613151.

Submission:

Labcorp Genetics (formerly Invitae), Labcorp
Classification: Pathogenic for Autosomal recessive limb-girdle muscular dystrophy type 2O; Muscular dystrophy-dystroglycanopathy (congenital with impaired intellectual development), type B, 3. Last evaluated: 2019-10-13. Review status: criteria provided, single submitter. Criteria: Invitae Variant Classification Sherloc (09022015). Collection method: clinical testing. Allele origin: germline.
Comment: Loss-of-function variants in POMGNT1 are known to be pathogenic (PMID: 19299310, 20816175, 21447391, 26908613, 27391550). For these reasons, this variant has been classified as Pathogenic. This variant has not been reported in the literature in individuals with POMGNT1-related conditions. This sequence change creates a premature translational stop signal (p.Gln428*) in the POMGNT1 gene. It is expected to result in an absent or disrupted protein product. This variant is not present in population databases (ExAC no frequency).

Literature cited by the submitters: PubMed 19299310; PubMed 20816175; PubMed 21447391; PubMed 26908613; PubMed 27391550.

NM_017739.4(POMGNT1):c.1282C>T (p.Gln428Ter)

Genes: POMGNT1 (protein O-linked mannose N-acetylglucosaminyltransferase 1 (beta 1,2-); minus strand), TSPAN1 (tetraspanin 1; plus strand). Cytogenetic location: 1p34.1.
Variant type: single nucleotide variant.
Coding change: c.1282C>T on transcript NM_017739.4 (MANE Select); coding-DNA position 1282, C replaced by T.
Protein change: p.Gln428Ter; replaces glutamine 428 with a stop codon.
Molecular consequence: nonsense.
Genome position (GRCh38, 1-based): chr1:46,192,520, G>A on the plus strand (C>T on the coding strand, the complement: POMGNT1 is on the minus strand). VCF-style: chr1-46192520-G-A. GRCh37 (hg19) VCF-style: chr1-46658192-G-A.
Other names: c.1282C>T, p.Gln428Ter (NM_001243766.2, NM_001410783.1); c.1216C>T, p.Gln406Ter (NM_001290129.3); c.853C>T, p.Gln285Ter (NM_001290130.2); short protein forms Q406*, Q285*, Q428*.
Identifiers: ClinVar variation 970328 (VCV000970328.8), dbSNP rs1657864516, ClinGen allele CA340176183.